The following is an entry in ClinVar:

NM_021814.5(ELOVL5):c.419C>T (p.Thr140Met)

Gene: ELOVL5 (ELOVL fatty acid elongase 5; minus strand). Cytogenetic location: 6p12.1.
Variant type: single nucleotide variant.
Coding change: c.419C>T on transcript NM_021814.5 (MANE Select); coding-DNA position 419, C replaced by T.
Protein change: p.Thr140Met; replaces threonine 140 with methionine.
Molecular consequence: missense variant.
Genome position (GRCh38, 1-based): chr6:53,275,167, G>A on the plus strand (C>T on the coding strand, the complement: ELOVL5 is on the minus strand). VCF-style: chr6-53275167-G-A. GRCh37 (hg19) VCF-style: chr6-53139965-G-A.
Other names: c.500C>T, p.Thr167Met (NM_001242828.2); c.419C>T, p.Thr140Met (NM_001242830.2, NM_001301856.2); short protein forms T140M, T167M.
Identifiers: ClinVar variation 4761253 (VCV004761253.1).

ClinVar aggregate classification (germline): Uncertain significance (1 of 4 stars; one submission).

gnomAD v4.1: 2 of 1,614,166 alleles (0.00012%); highest among the groups gnomAD compares: Non-Finnish European, 0.00017%; no homozygotes.

Submission:

Labcorp Genetics (formerly Invitae), Labcorp
Classification: Uncertain significance. Last evaluated: 2025-03-03. Review status: criteria provided, single submitter. Criteria: Invitae Variant Classification Sherloc (09022015). Collection method: clinical testing. Allele origin: germline.
Comment: This sequence change replaces threonine, which is neutral and polar, with methionine, which is neutral and non-polar, at codon 140 of the ELOVL5 protein (p.Thr140Met). This variant is not present in population databases (gnomAD no frequency). This variant has not been reported in the literature in individuals affected with ELOVL5-related conditions. Invitae Evidence Modeling of protein sequence and biophysical properties (such as structural, functional, and spatial information, amino acid conservation, physicochemical variation, residue mobility, and thermodynamic stability) indicates that this missense variant is not expected to disrupt ELOVL5 protein function with a negative predictive value of 80%. In summary, the available evidence is currently insufficient to determine the role of this variant in disease. Therefore, it has been classified as a Variant of Uncertain Significance.